The following is an entry in ClinVar:

ClinVar aggregate classification (germline): Benign (1 of 4 stars; one submission).

Allele frequency attached by ClinVar (database versions not stated): ESP Exome Variant Server 0.00015; gnomAD 0.00015; TOPMed 0.00016; 1000 Genomes Project 0.00020; gnomAD exomes 0.00026; 1000 Genomes Project 30x 0.00031; ExAC 0.00049.
gnomAD v4.1: 419 of 1,614,016 alleles (0.026%); highest among the groups gnomAD compares: South Asian, 0.15%; no homozygotes.

Submission:

CeGaT Center for Human Genetics Tuebingen
Classification: Benign. Last evaluated: 2023-11-01. Review status: criteria provided, single submitter. Criteria: CeGaT Center For Human Genetics Tuebingen Variant Classification Criteria Version 2. Collection method: clinical testing. Allele origin: germline. Affected: yes. Observed: 1 variant allele.
Comment: FBP2: BS1, BS2

NM_003837.4(FBP2):c.257T>C (p.Val86Ala)

Gene: FBP2 (fructose-bisphosphatase 2; minus strand). Cytogenetic location: 9q22.32.
Variant type: single nucleotide variant.
Coding change: c.257T>C on transcript NM_003837.4 (MANE Select); coding-DNA position 257, T replaced by C.
Protein change: p.Val86Ala; replaces valine 86 with alanine.
Molecular consequence: missense variant.
Genome position (GRCh38, 1-based): chr9:94,587,383, A>G on the plus strand (T>C on the coding strand, the complement: FBP2 is on the minus strand). VCF-style: chr9-94587383-A-G. GRCh37 (hg19) VCF-style: chr9-97349665-A-G.
Other names: short protein forms V86A.
Identifiers: ClinVar variation 2673178 (VCV002673178.23), dbSNP rs201607341, ClinGen allele CA5135946.